The following is an entry in ClinVar:

NM_000516.7(GNAS):c.380G>C (p.Arg127Thr)

Gene: GNAS (GNAS complex locus; plus strand). Cytogenetic location: 20q13.32.
Variant type: single nucleotide variant.
Coding change: c.380G>C on transcript NM_000516.7 (MANE Select); coding-DNA position 380, G replaced by C.
Protein change: p.Arg127Thr; replaces arginine 127 with threonine.
Molecular consequence: missense variant. On other transcripts: 3 prime UTR variant (2).
Genome position (GRCh38, 1-based): chr20:58,903,739, G>C. VCF-style: chr20-58903739-G-C. GRCh37 (hg19) VCF-style: chr20-57478794-G-C.
Other names: c.383G>C, p.Arg128Thr (NM_001077488.5); c.335G>C, p.Arg112Thr (NM_001077489.4); c.*241G>C (NM_001077490.3); c.203G>C, p.Arg68Thr (NM_001309840.2, NM_001309861.2); c.284G>C, p.Arg95Thr (NM_001410912.1); c.2264G>C, p.Arg755Thr (NM_001410913.1); c.*286G>C (NM_016592.5); c.2309G>C, p.Arg770Thr (NM_080425.4); and 1 more; short protein forms R112T, R113T, R127T, R128T, R68T, R755T, R770T, R95T.
Identifiers: ClinVar variation 2672103 (VCV002672103.2), dbSNP rs2146184005, ClinGen allele CA409450525.

ClinVar aggregate classification (germline): Uncertain significance. Review status: criteria provided, multiple submitters, no conflicts (2 of 4 stars). 2 submissions from 2 submitters: Uncertain significance (2). Last evaluated 2025-09-03.

Conditions:
Pseudohypoparathyroidism type I A (PHP1A). Also called: ALBRIGHT HEREDITARY OSTEODYSTROPHY WITH MULTIPLE HORMONE RESISTANCE; Pseudohypoparathyroidism Type IA; PHP IA; Pseudohypoparathyroidism Ia (PHP-Ia); Pseudohypoparathyroidism type 1A. Identifiers: Orphanet 79443, MedGen C3494506, MONDO:0007078, OMIM 103580.

Submissions (2):

Labcorp Genetics (formerly Invitae), Labcorp
Classification: Uncertain significance. Last evaluated: 2025-09-03. Review status: criteria provided, single submitter. Criteria: Invitae Variant Classification Sherloc (09022015). Collection method: clinical testing. Allele origin: germline.
Comment: This sequence change replaces arginine, which is basic and polar, with threonine, which is neutral and polar, at codon 127 of the GNAS protein (p.Arg127Thr). This variant is not present in population databases (gnomAD no frequency). This variant has not been reported in the literature in individuals affected with GNAS-related conditions. ClinVar contains an entry for this variant (Variation ID: 2672103). Invitae Evidence Modeling of protein sequence and biophysical properties (such as structural, functional, and spatial information, amino acid conservation, physicochemical variation, residue mobility, and thermodynamic stability) indicates that this missense variant is not expected to disrupt GNAS protein function with a negative predictive value of 80%. In summary, the available evidence is currently insufficient to determine the role of this variant in disease. Therefore, it has been classified as a Variant of Uncertain Significance.

Clinical Genomics Laboratory, Washington University in St. Louis
Classification: Uncertain significance for Pseudohypoparathyroidism type I A. Last evaluated: 2023-07-12. Review status: criteria provided, single submitter. Criteria: ACMG Guidelines, 2015. Collection method: clinical testing. Allele origin: germline.
Comment: The de novo GNAS c.380G>C (p.Arg127Thr) variant, to our knowledge, has not been reported in the medical literature. This variant is absent from the general population (gnomAD v.2.1.1), indicating it is not a common variant. Computational predictors indicate that the variant is damaging, evidence that correlates with impact to GNAS function. Due to limited information, and based on ACMG/AMP guidelines for variant interpretation (Richards S et al., PMID: 25741868), the clinical significance of this variant is uncertain at this time.